The following is an entry in ClinVar:

ClinVar aggregate classification (germline): Uncertain significance (1 of 4 stars; one submission).

Conditions:
Inborn genetic diseases. Identifiers: MedGen C0950123, MeSH D030342.

Submission:

Ambry Genetics
Classification: Uncertain significance for Inborn genetic diseases. Last evaluated: 2025-03-30. Review status: criteria provided, single submitter. Criteria: Ambry Variant Classification Scheme 2023. Collection method: clinical testing. Allele origin: germline.
Comment: The p.C1120F variant (also known as c.3359G>T), located in coding exon 34 of the FANCA gene, results from a G to T substitution at nucleotide position 3359. The cysteine at codon 1120 is replaced by phenylalanine, an amino acid with highly dissimilar properties. This amino acid position is conserved. In addition, the in silico prediction for this alteration is inconclusive. Based on the available evidence, the clinical significance of this variant remains unclear.

NM_000135.4(FANCA):c.3359G>T (p.Cys1120Phe)

Gene: FANCA (FA complementation group A; minus strand). Cytogenetic location: 16q24.3.
Variant type: single nucleotide variant.
Coding change: c.3359G>T on transcript NM_000135.4 (MANE Select); coding-DNA position 3359, G replaced by T.
Protein change: p.Cys1120Phe; replaces cysteine 1120 with phenylalanine.
Molecular consequence: missense variant.
Genome position (GRCh38, 1-based): chr16:89,746,880, C>A on the plus strand (G>T on the coding strand, the complement: FANCA is on the minus strand). VCF-style: chr16-89746880-C-A. GRCh37 (hg19) VCF-style: chr16-89813288-C-A.
Other names: c.3359G>T, p.Cys1120Phe (NM_001286167.3); short protein forms C1120F.
Identifiers: ClinVar variation 4022131 (VCV004022131.1).
Genomic context (GRCh38, chr16:89,746,880, plus strand): 5'-GAGCATCTCACCCTGAAGAAGTGGGCAGTGATGTCCTGTGTCAGGGCACCTCCGTGGGAG[C>A]AGAAGTTTCTCTGCAAAAGAGTTCAAGGCAGGTAAGAAAAGCCCACAGGAAGAGAGGCGA-3'
Protein context (NP_000126.2, residues 1110-1130): HLVNSEMRNF[Cys1120Phe]SHGGALTQDI